The following is an entry in ClinVar:

NM_007373.4(SHOC2):c.1161G>A (p.Lys387=)

Gene: SHOC2 (SHOC2 leucine rich repeat scaffold protein; plus strand). Cytogenetic location: 10q25.2.
Variant type: single nucleotide variant.
Coding change: c.1161G>A on transcript NM_007373.4 (MANE Select); coding-DNA position 1161, G replaced by A.
Protein change: p.Lys387=; no amino-acid change (lysine 387 retained).
Molecular consequence: synonymous variant. On other transcripts: non-coding transcript variant (1).
Genome position (GRCh38, 1-based): chr10:111,004,794, G>A. VCF-style: chr10-111004794-G-A. GRCh37 (hg19) VCF-style: chr10-112764552-G-A.
Other names: c.1023G>A, p.Lys341= (NM_001269039.3); c.1161G>A, p.Lys387= (NM_001324336.2, NM_001324337.2).
Identifiers: ClinVar variation 3655290 (VCV003655290.2).
Genomic context (GRCh38, chr10:111,004,794, plus strand): 5'-CAACAAAATTCCATTTGGAATTTTCTCCAGAGCAAAAGTATTAAGTAAGCTGAATATGAA[G>A]GTAAGCATATATTTGTTTACTAGGGAAAGGAATTGCTTTAATTGGTACTTCCACTAATAT-3'
Protein context (NP_031399.2, residues 377-397): RAKVLSKLNM[Lys387=]DNQLTSLPLD

ClinVar aggregate classification (germline): Uncertain significance (1 of 4 stars; one submission).

Conditions:
RASopathy. Also called: rasopathies; Noonan spectrum disorder. Identifiers: Orphanet 536391, MedGen C5555857, MONDO:0021060.

Submission:

Labcorp Genetics (formerly Invitae), Labcorp
Classification: Uncertain significance for RASopathy. Last evaluated: 2024-06-02. Review status: criteria provided, single submitter. Criteria: Invitae Variant Classification Sherloc (09022015). Collection method: clinical testing. Allele origin: germline.
Comment: This sequence change affects codon 387 of the SHOC2 mRNA. It is a 'silent' change, meaning that it does not change the encoded amino acid sequence of the SHOC2 protein. This variant also falls at the last nucleotide of exon 5, which is part of the consensus splice site for this exon. This variant is not present in population databases (gnomAD no frequency). This variant has not been reported in the literature in individuals affected with SHOC2-related conditions. Variants that disrupt the consensus splice site are a relatively common cause of aberrant splicing (PMID: 17576681, 9536098). Algorithms developed to predict the effect of sequence changes on RNA splicing suggest that this variant may disrupt the consensus splice site. In summary, the available evidence is currently insufficient to determine the role of this variant in disease. Therefore, it has been classified as a Variant of Uncertain Significance.

Literature cited by the submitters: PubMed 17576681; PubMed 9536098.